The following is an entry in ClinVar:

NM_022552.5(DNMT3A):c.1929C>T (p.Ile643=)

Gene: DNMT3A (DNA methyltransferase 3 alpha; minus strand). Cytogenetic location: 2p23.3.
Variant type: single nucleotide variant.
Coding change: c.1929C>T on transcript NM_022552.5 (MANE Select); coding-DNA position 1929, C replaced by T.
Protein change: p.Ile643=; no amino-acid change (isoleucine 643 retained).
Molecular consequence: synonymous variant. On other transcripts: non-coding transcript variant (1).
Genome position (GRCh38, 1-based): chr2:25,243,905, G>A on the plus strand (C>T on the coding strand, the complement: DNMT3A is on the minus strand). VCF-style: chr2-25243905-G-A. GRCh37 (hg19) VCF-style: chr2-25466774-G-A.
Other names: c.1929C>T (NM_022552.3); c.1473C>T, p.Ile491= (NM_001320893.1); c.1260C>T, p.Ile420= (NM_001375819.1); c.1362C>T, p.Ile454= (NM_153759.3); c.1929C>T, p.Ile643= (NM_175629.2).
Identifiers: ClinVar variation 1701372 (VCV001701372.34), dbSNP rs906581890, ClinGen allele CA43703028.

ClinVar aggregate classification (germline): Likely benign. Review status: criteria provided, multiple submitters, no conflicts (2 of 4 stars). 4 submissions from 4 submitters: Likely benign (4). Last evaluated 2026-08-01.

Conditions:
Inborn genetic diseases. Identifiers: MedGen C0950123, MeSH D030342.
Tatton-Brown-Rahman overgrowth syndrome. Also called: Tatton-Brown-Rahman syndrome; Tall stature-intellectual disability-facial dysmorphism syndrome. Identifiers: Orphanet 404443, MedGen C4014545, MONDO:0014382, OMIM 615879.
DNMT3A-related disorder. Also called: DNMT3A-related disorders; DNMT3A-related condition.

Allele frequency attached by ClinVar (database versions not stated): gnomAD exomes below 0.00001 and 0.00001; TOPMed below 0.00001.
gnomAD v4.1: 3 of 1,551,950 alleles (0.00019%); highest among the groups gnomAD compares: Middle Eastern, 0.017%; no homozygotes.

Submissions (4):

CeGaT Center for Human Genetics Tuebingen
Classification: Likely benign. Last evaluated: 2026-08-01. Review status: criteria provided, single submitter. Criteria: CeGaT Center For Human Genetics Tuebingen Variant Classification Criteria Version 2. Collection method: clinical testing. Allele origin: germline. Affected: yes. Observed: 2 variant alleles.
Comment: DNMT3A: BP4, BP7

Labcorp Genetics (formerly Invitae), Labcorp
Classification: Likely benign for Tatton-Brown-Rahman overgrowth syndrome. Last evaluated: 2025-11-17. Review status: criteria provided, single submitter. Criteria: Invitae Variant Classification Sherloc (09022015). Collection method: clinical testing. Allele origin: germline.

PreventionGenetics, part of Exact Sciences
Classification: Likely benign for DNMT3A-related condition. Last evaluated: 2025-10-15. Review status: criteria provided, single submitter. Criteria: ACMG Guidelines, 2015. Collection method: clinical testing. Allele origin: germline.
Comment: This variant is classified as likely benign based on ACMG/AMP sequence variant interpretation guidelines (Richards et al. 2015 PMID: 25741868, with internal and published modifications).

Ambry Genetics
Classification: Likely benign for Inborn genetic diseases. Last evaluated: 2024-12-02. Review status: criteria provided, single submitter. Criteria: Ambry Variant Classification Scheme 2023. Collection method: clinical testing. Allele origin: germline.